The following is an entry in ClinVar:

NC_000009.12:g.70809978del

Genes: MIR204 (microRNA 204; minus strand), TRPM3 (transient receptor potential cation channel subfamily M member 3; minus strand). Cytogenetic location: 9q21.12.
Variant type: Deletion.
Molecular consequence: intron variant (on NM_001366145.2). On other transcripts: non-coding transcript variant (1).
Genome position: GRCh38 VCF-style: chr9-70809977-CA-C. GRCh37 (hg19) VCF-style: chr9-73424893-CA-C.
Other names: c.979+17869del (NM_001366143.2, NM_001366141.2, NM_001366142.2 and 1 more transcripts); c.973+17869del (NM_001366150.2, NM_001366151.2, NM_001007471.4 and 4 more transcripts); c.1048+1192del (NM_001366148.2, NM_001366152.2, NM_001366147.2); c.514+17869del (NM_206944.5, NM_020952.6, NM_206945.5 and 3 more transcripts); c.589+1192del (NM_206947.5, NM_206946.5, NM_001007470.3).
Identifiers: ClinVar variation 1408011 (VCV001408011.6), dbSNP rs761910966, ClinGen allele CA5078762.

ClinVar aggregate classification (germline): Uncertain significance (1 of 4 stars; one submission).

Allele frequency attached by ClinVar (database versions not stated): gnomAD exomes 0.00001 and 0.00002; ExAC 0.00002; TOPMed 0.00002; gnomAD 0.00003 and 0.00004.

Submission:

Labcorp Genetics (formerly Invitae), Labcorp
Classification: Uncertain significance. Last evaluated: 2023-12-03. Review status: criteria provided, single submitter. Criteria: Invitae Variant Classification Sherloc (09022015). Collection method: clinical testing. Allele origin: germline.
Comment: This variant occurs in the MIR204 gene, which encodes an RNA molecule that does not result in a protein product. This variant is present in population databases (rs761910966, gnomAD 0.003%). This variant has not been reported in the literature in individuals affected with MIR204-related conditions. ClinVar contains an entry for this variant (Variation ID: 1408011). Experimental studies and prediction algorithms are not available or were not evaluated, and the functional significance of this variant is currently unknown. In summary, the available evidence is currently insufficient to determine the role of this variant in disease. Therefore, it has been classified as a Variant of Uncertain Significance.